The following is an entry in ClinVar:

NM_020778.5(ALPK3):c.4319G>A (p.Arg1440His)

Gene: ALPK3 (alpha kinase 3; plus strand). Cytogenetic location: 15q25.3.
Variant type: single nucleotide variant.
Coding change: c.4319G>A on transcript NM_020778.5 (MANE Select); coding-DNA position 4319, G replaced by A.
Protein change: p.Arg1440His; replaces arginine 1440 with histidine.
Molecular consequence: missense variant.
Genome position (GRCh38, 1-based): chr15:84,862,824, G>A. VCF-style: chr15-84862824-G-A. GRCh37 (hg19) VCF-style: chr15-85406055-G-A.
Other names: short protein forms R1440H.
Identifiers: ClinVar variation 1447475 (VCV001447475.9), dbSNP rs182140062, ClinGen allele CA7709928.

ClinVar aggregate classification (germline): Uncertain significance. Review status: criteria provided, multiple submitters, no conflicts (2 of 4 stars). 3 submissions from 3 submitters: Uncertain significance (3). Last evaluated 2026-04-06.

Conditions:
ALPK3-related disorder. Also called: ALPK3-related condition.
Cardiovascular phenotype. Identifiers: MedGen CN230736.

Allele frequency attached by ClinVar (database versions not stated): gnomAD exomes 0.00001; ExAC 0.00002; TOPMed 0.00003; gnomAD 0.00004; ESP Exome Variant Server 0.00008.
gnomAD v4.1: 26 of 1,614,032 alleles (0.0016%); highest among the groups gnomAD compares: African/African-American, 0.008%; no homozygotes.

Submissions (3):

PreventionGenetics, part of Exact Sciences
Classification: Uncertain significance for ALPK3-related condition. Last evaluated: 2026-04-06. Review status: criteria provided, single submitter. Criteria: ACMG Guidelines, 2015. Collection method: clinical testing. Allele origin: germline.
Comment: The ALPK3 c.4925G>A variant is predicted to result in the amino acid substitution p.Arg1642His. To our knowledge, this variant has not been reported in the literature. This variant is reported in 0.0050% of alleles in individuals of East Asian descent in gnomAD. At this time, the clinical significance of this variant is uncertain due to the absence of conclusive functional and genetic evidence.

Labcorp Genetics (formerly Invitae), Labcorp
Classification: Uncertain significance. Last evaluated: 2025-05-17. Review status: criteria provided, single submitter. Criteria: Invitae Variant Classification Sherloc (09022015). Collection method: clinical testing. Allele origin: germline.
Comment: This sequence change replaces arginine, which is basic and polar, with histidine, which is basic and polar, at codon 1642 of the ALPK3 protein (p.Arg1642His). This variant is present in population databases (rs182140062, gnomAD 0.005%). This variant has not been reported in the literature in individuals affected with ALPK3-related conditions. ClinVar contains an entry for this variant (Variation ID: 1447475). Invitae Evidence Modeling of protein sequence and biophysical properties (such as structural, functional, and spatial information, amino acid conservation, physicochemical variation, residue mobility, and thermodynamic stability) indicates that this missense variant is not expected to disrupt ALPK3 protein function with a negative predictive value of 80%. In summary, the available evidence is currently insufficient to determine the role of this variant in disease. Therefore, it has been classified as a Variant of Uncertain Significance.

Ambry Genetics
Classification: Uncertain significance for Cardiovascular phenotype. Last evaluated: 2024-01-29. Review status: criteria provided, single submitter. Criteria: Ambry Variant Classification Scheme 2023. Collection method: clinical testing. Allele origin: germline.
Comment: The p.R1642H variant (also known as c.4925G>A), located in coding exon 10 of the ALPK3 gene, results from a G to A substitution at nucleotide position 4925. The arginine at codon 1642 is replaced by histidine, an amino acid with highly similar properties. This amino acid position is not well conserved in available vertebrate species, and histidine is the reference amino acid in other vertebrate species. In addition, this alteration is predicted to be tolerated by in silico analysis. Since supporting evidence is limited at this time, the clinical significance of this alteration remains unclear.